The following is an entry in ClinVar:

NM_001184.4(ATR):c.425T>A (p.Phe142Tyr)

Gene: ATR (ATR checkpoint kinase; minus strand). Cytogenetic location: 3q23.
Variant type: single nucleotide variant.
Coding change: c.425T>A on transcript NM_001184.4 (MANE Select); coding-DNA position 425, T replaced by A.
Protein change: p.Phe142Tyr; replaces phenylalanine 142 with tyrosine.
Molecular consequence: missense variant.
Genome position (GRCh38, 1-based): chr3:142,562,977, A>T on the plus strand (T>A on the coding strand, the complement: ATR is on the minus strand). VCF-style: chr3-142562977-A-T. GRCh37 (hg19) VCF-style: chr3-142281819-A-T.
Other names: c.425T>A, p.Phe142Tyr (NM_001354579.2); short protein forms F142Y.
Identifiers: ClinVar variation 1739165 (VCV001739165.7), dbSNP rs2473429739, ClinGen allele CA354827024.

ClinVar aggregate classification (germline): Uncertain significance. Review status: criteria provided, multiple submitters, no conflicts (2 of 4 stars). 2 submissions from 2 submitters: Uncertain significance (2). Last evaluated 2022-09-04.

Conditions:
Inborn genetic diseases. Identifiers: MedGen C0950123, MeSH D030342.

Allele frequency attached by ClinVar (database versions not stated): gnomAD exomes below 0.00001.
gnomAD v4.1: 2 of 1,607,986 alleles (0.00012%); highest among the groups gnomAD compares: South Asian, 0.0022%; no homozygotes.

Submissions (2):

Ambry Genetics
Classification: Uncertain significance for Inborn genetic diseases. Last evaluated: 2022-09-04. Review status: criteria provided, single submitter. Criteria: Ambry Variant Classification Scheme 2023. Collection method: clinical testing. Allele origin: germline.
Comment: The p.F142Y variant (also known as c.425T>A), located in coding exon 4 of the ATR gene, results from a T to A substitution at nucleotide position 425. The phenylalanine at codon 142 is replaced by tyrosine, an amino acid with highly similar properties. This amino acid position is conserved. In addition, this alteration is predicted to be tolerated by in silico analysis. Since supporting evidence is limited at this time, the clinical significance of this alteration remains unclear.

Labcorp Genetics (formerly Invitae), Labcorp
Classification: Uncertain significance. Last evaluated: 2022-07-01. Review status: criteria provided, single submitter. Criteria: Invitae Variant Classification Sherloc (09022015). Collection method: clinical testing. Allele origin: germline.
Comment: In summary, the available evidence is currently insufficient to determine the role of this variant in disease. Therefore, it has been classified as a Variant of Uncertain Significance. Algorithms developed to predict the effect of missense changes on protein structure and function are either unavailable or do not agree on the potential impact of this missense change (SIFT: "Deleterious"; PolyPhen-2: "Benign"; Align-GVGD: "Class C0"). This variant has not been reported in the literature in individuals affected with ATR-related conditions. This variant is not present in population databases (gnomAD no frequency). This sequence change replaces phenylalanine, which is neutral and non-polar, with tyrosine, which is neutral and polar, at codon 142 of the ATR protein (p.Phe142Tyr).